The following is an entry in ClinVar:

NM_001258392.3(CLPB):c.1969A>T (p.Ser657Cys)

Gene: CLPB (ClpB family mitochondrial disaggregase; minus strand). Cytogenetic location: 11q13.4.
Variant type: single nucleotide variant.
Coding change: c.1969A>T on transcript NM_001258392.3 (MANE Select); coding-DNA position 1969, A replaced by T.
Protein change: p.Ser657Cys; replaces serine 657 with cysteine.
Molecular consequence: missense variant.
Genome position (GRCh38, 1-based): chr11:72,293,432, T>A on the plus strand (A>T on the coding strand, the complement: CLPB is on the minus strand). VCF-style: chr11-72293432-T-A. GRCh37 (hg19) VCF-style: chr11-72004476-T-A.
Other names: c.1882A>T, p.Ser628Cys (NM_001258393.3); c.1924A>T, p.Ser642Cys (NM_001258394.3); c.2059A>T, p.Ser687Cys (NM_030813.6); c.2059A>T (NM_030813.3); short protein forms S628C, S642C, S657C, S687C.
Identifiers: ClinVar variation 1006915 (VCV001006915.31), dbSNP rs1254521420, ClinGen allele CA381723143.

ClinVar aggregate classification (germline): Uncertain significance. Review status: criteria provided, multiple submitters, no conflicts (2 of 4 stars). 3 submissions from 3 submitters: Uncertain significance (3). Last evaluated 2025-12-09.

Conditions:
Inborn genetic diseases. Identifiers: MedGen C0950123, MeSH D030342.
3-methylglutaconic aciduria, type VIIB (MGCA7B). Also called: CLPB Deficiency; 3-methylglutaconic aciduria with cataracts, neurologic involvement and neutropenia; 3-methylglutaconic aciduria, type VII, with cataracts, neurologic involvement and neutropenia. Identifiers: Orphanet 445038, MedGen C5676893, MONDO:0014561, OMIM 616271.

Allele frequency attached by ClinVar (database versions not stated): gnomAD 0.00001; gnomAD exomes below 0.00001.
gnomAD v4.1: 36 of 1,614,076 alleles (0.0022%); highest among the groups gnomAD compares: Non-Finnish European, 0.0028%; no homozygotes.

Submissions (3):

Ambry Genetics
Classification: Uncertain significance for Inborn genetic diseases. Last evaluated: 2025-12-09. Review status: criteria provided, single submitter. Criteria: Ambry Variant Classification Scheme 2023. Collection method: clinical testing. Allele origin: germline.

CeGaT Center for Human Genetics Tuebingen
Classification: Uncertain significance. Last evaluated: 2024-02-01. Review status: criteria provided, single submitter. Criteria: CeGaT Center For Human Genetics Tuebingen Variant Classification Criteria Version 2. Collection method: clinical testing. Allele origin: germline. Affected: yes. Observed: 1 variant allele.
Comment: CLPB: PM2, BP4

Labcorp Genetics (formerly Invitae), Labcorp
Classification: Uncertain significance for 3-methylglutaconic aciduria, type VIIB. Last evaluated: 2023-10-04. Review status: criteria provided, single submitter. Criteria: Invitae Variant Classification Sherloc (09022015). Collection method: clinical testing. Allele origin: germline.
Comment: This sequence change replaces serine, which is neutral and polar, with cysteine, which is neutral and slightly polar, at codon 687 of the CLPB protein (p.Ser687Cys). This variant is present in population databases (no rsID available, gnomAD 0.0009%). This variant has not been reported in the literature in individuals affected with CLPB-related conditions. ClinVar contains an entry for this variant (Variation ID: 1006915). An algorithm developed to predict the effect of missense changes on protein structure and function (PolyPhen-2) suggests that this variant is likely to be disruptive. In summary, the available evidence is currently insufficient to determine the role of this variant in disease. Therefore, it has been classified as a Variant of Uncertain Significance.